The following is an entry in ClinVar:

ClinVar aggregate classification (germline): Uncertain significance (1 of 4 stars; one submission).

Conditions:
Autoimmune interstitial lung disease-arthritis syndrome. Also called: Autoinflammation and autoimmunity, systemic, with immune dysregulation. Identifiers: Orphanet 444092, MedGen C5975714, MONDO:0014629.

gnomAD v4.1: 3 of 1,613,440 alleles (0.00019%); highest among the groups gnomAD compares: Non-Finnish European, 0.00025%; no homozygotes.

Submission:

Labcorp Genetics (formerly Invitae), Labcorp
Classification: Uncertain significance for Autoimmune interstitial lung disease-arthritis syndrome. Last evaluated: 2023-12-06. Review status: criteria provided, single submitter. Criteria: Invitae Variant Classification Sherloc (09022015). Collection method: clinical testing. Allele origin: germline.
Comment: This sequence change replaces phenylalanine, which is neutral and non-polar, with leucine, which is neutral and non-polar, at codon 143 of the COPA protein (p.Phe143Leu). This variant is present in population databases (no rsID available, gnomAD 0.0009%). This variant has not been reported in the literature in individuals affected with COPA-related conditions. Advanced modeling of protein sequence and biophysical properties (such as structural, functional, and spatial information, amino acid conservation, physicochemical variation, residue mobility, and thermodynamic stability) performed at Invitae indicates that this missense variant is expected to disrupt COPA protein function with a positive predictive value of 80%. In summary, the available evidence is currently insufficient to determine the role of this variant in disease. Therefore, it has been classified as a Variant of Uncertain Significance.

NM_004371.4(COPA):c.429C>A (p.Phe143Leu)

Gene: COPA (coat protein complex I subunit alpha; minus strand). Cytogenetic location: 1q23.2.
Variant type: single nucleotide variant.
Coding change: c.429C>A on transcript NM_004371.4 (MANE Select); coding-DNA position 429, C replaced by A.
Protein change: p.Phe143Leu; replaces phenylalanine 143 with leucine.
Molecular consequence: missense variant.
Genome position (GRCh38, 1-based): chr1:160,332,515, G>T on the plus strand (C>A on the coding strand, the complement: COPA is on the minus strand). VCF-style: chr1-160332515-G-T. GRCh37 (hg19) VCF-style: chr1-160302305-G-T.
Other names: c.429C>A, p.Phe143Leu (NM_001098398.2); short protein forms F143L.
Identifiers: ClinVar variation 2759038 (VCV002759038.3), dbSNP rs1390435268, ClinGen allele CA343269567.